The following is an entry in ClinVar:

NM_001164508.2(NEB):c.18830C>T (p.Thr6277Met)

Gene: NEB (nebulin; minus strand). Cytogenetic location: 2q23.3.
Variant type: single nucleotide variant.
Coding change: c.18830C>T on transcript NM_001164508.2 (MANE Select); coding-DNA position 18830, C replaced by T.
Protein change: p.Thr6277Met; replaces threonine 6277 with methionine.
Molecular consequence: missense variant.
Genome position (GRCh38, 1-based): chr2:151,562,672, G>A on the plus strand (C>T on the coding strand, the complement: NEB is on the minus strand). VCF-style: chr2-151562672-G-A. GRCh37 (hg19) VCF-style: chr2-152419186-G-A.
Other names: c.18830C>T, p.Thr6277Met (NM_001164507.2, NM_001271208.2); c.13727C>T, p.Thr4576Met (NM_004543.5); short protein forms T6277M, T4576M.
Identifiers: ClinVar variation 576262 (VCV000576262.11), dbSNP rs371689870, ClinGen allele CA1907847.

ClinVar aggregate classification (germline): Conflicting classifications of pathogenicity. Review status: criteria provided, conflicting classifications (1 of 4 stars). 3 submissions from 3 submitters: Uncertain significance (1); Likely benign (1). 1 of the submissions does not count toward it. Last evaluated 2023-12-11.

Conditions:
Nemaline myopathy 2 (NEM2). Also called: Nemaline myopathy 2, autosomal recessive. Identifiers: MedGen C1850569, MONDO:0009725, OMIM 256030.

Allele frequency attached by ClinVar (database versions not stated): ExAC 0.00002; TOPMed 0.00002; ESP Exome Variant Server 0.00008; gnomAD exomes 0.00002.
gnomAD v4.1: 16 of 1,600,888 alleles (0.001%); highest among the groups gnomAD compares: Middle Eastern, 0.017%; no homozygotes.

Submissions (3):

GeneDx
Classification: Uncertain significance. Last evaluated: 2023-12-11. Review status: criteria provided, single submitter. Criteria: GeneDx Variant Classification Process June 2021. Collection method: clinical testing. Allele origin: germline. Affected: yes.
Comment: Not observed at significant frequency in large population cohorts (gnomAD); In silico analysis supports that this missense variant has a deleterious effect on protein structure/function; Has not been previously published as pathogenic or benign to our knowledge

Labcorp Genetics (formerly Invitae), Labcorp
Classification: Likely benign for Nemaline myopathy 2. Last evaluated: 2023-09-08. Review status: criteria provided, single submitter. Criteria: Invitae Variant Classification Sherloc (09022015). Collection method: clinical testing. Allele origin: germline.

Natera, Inc.
Classification: Uncertain significance for Nemaline myopathy type 2. Last evaluated: 2019-11-11. Review status: no assertion criteria provided. Collection method: clinical testing. Allele origin: germline. Not counted in ClinVar's aggregate classification.